The following is an entry in ClinVar:

NM_001377.3(DYNC2H1):c.10828dup (p.Ile3610fs)

Gene: DYNC2H1 (dynein cytoplasmic 2 heavy chain 1; plus strand). Cytogenetic location: 11q22.3.
Variant type: Duplication.
Coding change: c.10828dup on transcript NM_001377.3 (MANE Select); coding-DNA position 10828, one base duplicated (A; older notation c.10828dupA).
Protein change: p.Ile3610fs; shifts the reading frame from isoleucine 3610.
Molecular consequence: frameshift variant.
Genome position (GRCh38, 1-based): chr11:103,283,023, A duplicated; the last of 6 consecutive A bases (chr11:103,283,018-103,283,023); duplicating any one gives the same sequence. VCF-style (leftmost placement, unchanged base first): chr11-103283017-C-CA. GRCh37 (hg19) VCF-style: chr11-103153746-C-CA.
Other names: c.10849dup, p.Ile3617fs (NM_001080463.2); short protein forms I3617fs, I3610fs.
Identifiers: ClinVar variation 2745204 (VCV002745204.8), dbSNP rs766275230, ClinGen allele CA6255080.

ClinVar aggregate classification (germline): Pathogenic/Likely pathogenic. Review status: criteria provided, multiple submitters, no conflicts (2 of 4 stars). 4 submissions from 4 submitters: Pathogenic (3); Likely pathogenic (1). Last evaluated 2026-03-30.

Conditions:
Asphyxiating thoracic dystrophy 3. Also called: Saldino-Noonan Syndrome; SHORT-RIB THORACIC DYSPLASIA 3 WITH OR WITHOUT POLYDACTYLY; POLYDACTYLY WITH NEONATAL CHONDRODYSTROPHY, TYPE I; SHORT-RIB THORACIC DYSPLASIA 3/6 WITH POLYDACTYLY, DIGENIC; Short rib polydactyly syndrome 2B. Identifiers: Orphanet 474, Orphanet 93269, Orphanet 93270, Orphanet 93271, MedGen C0036069, MONDO:0013127, OMIM 613091.
Jeune thoracic dystrophy. Also called: Jeune syndrome; Infantile thoracic dystrophy; Thoracic pelvic phalangeal dystrophy; Jeune's syndrome; Chondroectodermal dysplasia-like syndrome; Short-rib thoracic dysplasia. Identifiers: Orphanet 474, MedGen C0265275, MONDO:0018770.

Submissions (4):

Myriad Genetics, Inc.
Classification: Pathogenic for Asphyxiating thoracic dystrophy 3. Last evaluated: 2026-03-30. Review status: criteria provided, single submitter. Criteria: Myriad Autosomal Dominant, Autosomal Recessive and X-Linked Classification Criteria (2023). Collection method: clinical testing. Allele origin: unknown.
Comment: NM_001377.2(DYNC2H1):c.10828dupA(I3610Nfs*3) is a frameshift variant classified as pathogenic in the context of DYNC2H1-related disorders. I3610Nfs*3 has not been observed in cases with relevant disease. Relevant functional assessments of this variant are not available in the literature. I3610Nfs*3 has been observed in referenced population frequency databases. In summary, NM_001377.2(DYNC2H1):c.10828dupA(I3610Nfs*3) is a frameshift variant in a gene where loss of function is a known mechanism of disease and is predicted to disrupt protein function. Please note: this variant was assessed in the context of healthy population screening.

Fulgent Genetics
Classification: Pathogenic for Asphyxiating thoracic dystrophy 3. Last evaluated: 2024-02-17. Review status: criteria provided, single submitter. Criteria: ACMG Guidelines, 2015. Collection method: clinical testing. Allele origin: germline.

Labcorp Genetics (formerly Invitae), Labcorp
Classification: Pathogenic for Jeune thoracic dystrophy. Last evaluated: 2023-11-10. Review status: criteria provided, single submitter. Criteria: Invitae Variant Classification Sherloc (09022015). Collection method: clinical testing. Allele origin: germline.
Comment: This sequence change creates a premature translational stop signal (p.Ile3617Asnfs*3) in the DYNC2H1 gene. It is expected to result in an absent or disrupted protein product. Loss-of-function variants in DYNC2H1 are known to be pathogenic (PMID: 23339108, 32753734, 33755199). This variant is present in population databases (rs766275230, gnomAD 0.01%). This variant has not been reported in the literature in individuals affected with DYNC2H1-related conditions. For these reasons, this variant has been classified as Pathogenic.

Juno Genomics, Hangzhou Juno Genomics, Inc
Classification: Likely pathogenic for Asphyxiating thoracic dystrophy 3. Review status: criteria provided, single submitter. Criteria: ACMG Guidelines, 2015. Collection method: clinical testing. Allele origin: germline.
Comment: Absent from controls (or at extremely low frequency if recessive) in Genome Aggregation Database.;Null variant in a gene where loss of function (LOF) is a known mechanism of disease.

Literature cited by the submitters: PubMed 23339108 (cited by Labcorp Genetics (formerly Invitae), Labcorp); PubMed 32753734 (cited by Labcorp Genetics (formerly Invitae), Labcorp); PubMed 33755199 (cited by Labcorp Genetics (formerly Invitae), Labcorp).